The following is an entry in ClinVar:

ClinVar aggregate classification (germline): Likely benign. Review status: criteria provided, multiple submitters, no conflicts (2 of 4 stars). 3 submissions from 3 submitters: Likely benign (3). Last evaluated 2024-11-06.

Conditions:
Arrhythmogenic cardiomyopathy with wooly hair and keratoderma. Also called: PALMOPLANTAR KERATODERMA WITH LEFT VENTRICULAR CARDIOMYOPATHY AND WOOLLY HAIR; Carvajal syndrome; Dilated cardiomyopathy with woolly hair and keratoderma; Arrhythmogenic cardiomyopathy with woolly hair and keratoderma. Identifiers: Orphanet 65282, MedGen C1854063, MONDO:0011581, OMIM 605676.
Arrhythmogenic right ventricular dysplasia 8 (ARVD8). Also called: ARRHYTHMOGENIC RIGHT VENTRICULAR DYSPLASIA, FAMILIAL, 8; ARRHYTHMOGENIC RIGHT VENTRICULAR CARDIOMYOPATHY 8; Arrhythmogenic Right Ventricular Dysplasia/Cardiomyopathy 8. Identifiers: MedGen C1843896, MONDO:0011831, OMIM 607450.
Cardiomyopathy (CMYO). Also called: Cardiomyopathies. Identifiers: Orphanet 167848, MedGen C0878544, MONDO:0004994, HP:0001638. Inheritance: Various modes of inheritance.

Allele frequency attached by ClinVar (database versions not stated): gnomAD exomes below 0.00001.
gnomAD v4.1: 1 of 1,614,004 alleles (0.000062%); highest among the groups gnomAD compares: Non-Finnish European, 0.000085%; no homozygotes.

Submissions (3):

Labcorp Genetics (formerly Invitae), Labcorp
Classification: Likely benign for Arrhythmogenic cardiomyopathy with wooly hair and keratoderma; Arrhythmogenic right ventricular dysplasia 8. Last evaluated: 2024-11-06. Review status: criteria provided, single submitter. Criteria: Invitae Variant Classification Sherloc (09022015). Collection method: clinical testing. Allele origin: germline.

Color Diagnostics, LLC DBA Color Health
Classification: Likely benign for Cardiomyopathy. Last evaluated: 2024-03-31. Review status: criteria provided, single submitter. Criteria: ACMG Guidelines, 2015. Collection method: clinical testing. Allele origin: germline.

GeneDx
Classification: Likely benign. Last evaluated: 2018-01-02. Review status: criteria provided, single submitter. Criteria: GeneDx Variant Classification (06012015). Collection method: clinical testing. Allele origin: germline. Affected: yes.
Comment: This variant is considered likely benign or benign based on one or more of the following criteria: it is a conservative change, it occurs at a poorly conserved position in the protein, it is predicted to be benign by multiple in silico algorithms, and/or has population frequency not consistent with disease.

NM_004415.4(DSP):c.1542T>A (p.Pro514=)

Gene: DSP (desmoplakin; plus strand). Cytogenetic location: 6p24.3.
Variant type: single nucleotide variant.
Coding change: c.1542T>A on transcript NM_004415.4 (MANE Select); coding-DNA position 1542, T replaced by A.
Protein change: p.Pro514=; no amino-acid change (proline 514 retained).
Molecular consequence: synonymous variant.
Genome position (GRCh38, 1-based): chr6:7,569,308, T>A. VCF-style: chr6-7569308-T-A. GRCh37 (hg19) VCF-style: chr6-7569541-T-A.
Other names: c.1542T>A (LRG_423t1); c.1542T>A, p.Pro514= (NM_001008844.3, NM_001319034.2).
Identifiers: ClinVar variation 514349 (VCV000514349.11), dbSNP rs1554106920, ClinGen allele CA448523141.